The following is an entry in ClinVar:

ClinVar aggregate classification (germline): Uncertain significance. Review status: criteria provided, multiple submitters, no conflicts (2 of 4 stars). 3 submissions from 3 submitters: Uncertain significance (3). Last evaluated 2024-09-19.

Conditions:
Inborn genetic diseases. Identifiers: MedGen C0950123, MeSH D030342.

Allele frequency attached by ClinVar (database versions not stated): TOPMed 0.00001; gnomAD exomes 0.00002.

Submissions (3):

Blueprint Genetics
Classification: Uncertain significance. Last evaluated: 2024-09-19. Review status: criteria provided, single submitter. Criteria: ACMG Guidelines, 2015. Collection method: clinical testing. Allele origin: germline.

Ambry Genetics
Classification: Uncertain significance for Inborn genetic diseases. Last evaluated: 2024-08-20. Review status: criteria provided, single submitter. Criteria: Ambry Variant Classification Scheme 2023. Collection method: clinical testing. Allele origin: germline.

Labcorp Genetics (formerly Invitae), Labcorp
Classification: Uncertain significance. Last evaluated: 2024-08-13. Review status: criteria provided, single submitter. Criteria: Invitae Variant Classification Sherloc (09022015). Collection method: clinical testing. Allele origin: germline.
Comment: This sequence change replaces aspartic acid, which is acidic and polar, with glycine, which is neutral and non-polar, at codon 83 of the POLA1 protein (p.Asp83Gly). This variant is not present in population databases (gnomAD no frequency). This missense change has been observed in individual(s) with male infertility (PMID: 35809576). ClinVar contains an entry for this variant (Variation ID: 1449625). An algorithm developed to predict the effect of missense changes on protein structure and function (PolyPhen-2) suggests that this variant is likely to be disruptive. In summary, the available evidence is currently insufficient to determine the role of this variant in disease. Therefore, it has been classified as a Variant of Uncertain Significance.

Literature cited by the submitters: PubMed 35809576 (cited by Labcorp Genetics (formerly Invitae), Labcorp).

NM_001330360.2(POLA1):c.266A>G (p.Asp89Gly)

Gene: POLA1 (DNA polymerase alpha 1, catalytic subunit; plus strand). Cytogenetic location: Xp22.11.
Variant type: single nucleotide variant.
Coding change: c.266A>G on transcript NM_001330360.2 (MANE Select); coding-DNA position 266, A replaced by G.
Protein change: p.Asp89Gly; replaces aspartic acid 89 with glycine.
Molecular consequence: missense variant. On other transcripts: non-coding transcript variant (2).
Genome position (GRCh38, 1-based): chrX:24,704,389, A>G. VCF-style: chrX-24704389-A-G. GRCh37 (hg19) VCF-style: chrX-24722506-A-G.
Other names: c.248A>G (NM_016937.3); c.266A>G, p.Asp89Gly (NM_001378303.1); c.248A>G, p.Asp83Gly (NM_016937.4); short protein forms D83G, D89G.
Identifiers: ClinVar variation 1449625 (VCV001449625.10), dbSNP rs915362182, ClinGen allele CA327719732.
Genomic context (GRCh38, chrX:24,704,389, plus strand): 5'-CTAAAATATTATTGGCCACTTTTAGAAATTTGATCCCAGTATTAAATTTTGTCCCTGCAG[A>G]TGGTATTGGCTATGTGGAAGATGGCCGAGAGATTTTTGATGATGACCTTGAAGATGATGC-3'
Protein context (NP_001317289.1, residues 79-99): RQDDDWIVDD[Asp89Gly]GIGYVEDGRE